The following is an entry in ClinVar:

ClinVar aggregate classification (germline): Conflicting classifications of pathogenicity. Review status: criteria provided, conflicting classifications (1 of 4 stars). 4 submissions from 4 submitters: Uncertain significance (1); Likely benign (3). Last evaluated 2026-01-12.

Conditions:
COL6A2-related disorder.
Bethlem myopathy 1A. Also called: MYOPATHY, BENIGN CONGENITAL, WITH CONTRACTURES; Bethlem myopathy 1; Bethlem Muscular Dystrophy. Identifiers: Orphanet 610, MedGen CN029274, MONDO:0024530, OMIM 158810.
Collagen 6-related myopathy. Identifiers: MedGen CN117976, MONDO:0100225.

Allele frequency attached by ClinVar (database versions not stated): ExAC 0.00002; TOPMed 0.00003; gnomAD 0.00006.

Submissions (4):

PreventionGenetics, part of Exact Sciences
Classification: Likely benign for COL6A2-related condition. Last evaluated: 2026-01-12. Review status: criteria provided, single submitter. Criteria: ACMG Guidelines, 2015. Collection method: clinical testing. Allele origin: germline.
Comment: This variant is classified as likely benign based on ACMG/AMP sequence variant interpretation guidelines (Richards et al. 2015 PMID: 25741868, with internal and published modifications).

Labcorp Genetics (formerly Invitae), Labcorp
Classification: Likely benign for Bethlem myopathy 1A. Last evaluated: 2025-10-08. Review status: criteria provided, single submitter. Criteria: Invitae Variant Classification Sherloc (09022015). Collection method: clinical testing. Allele origin: germline.

Illumina Laboratory Services, Illumina
Classification: Likely benign for Collagen VI-related myopathy. Last evaluated: 2018-01-12. Review status: criteria provided, single submitter. Criteria: ICSL Variant Classification Criteria 13 December 2019. Collection method: clinical testing. Allele origin: germline.
Comment: This variant was observed in the ICSL laboratory as part of a predisposition screen in an ostensibly healthy population. It had not been previously curated by ICSL or reported in the Human Gene Mutation Database (HGMD: prior to June 1st, 2018), and was therefore a candidate for classification through an automated scoring system. Utilizing variant allele frequency, disease prevalence and penetrance estimates, and inheritance mode, an automated score was calculated to assess if this variant is too frequent to cause the disease. Based on the score and internal cut-off values, a variant classified as likely benign is not then subjected to further curation. The score for this variant resulted in a classification of likely benign for this disease.

Eurofins Ntd Llc (ga)
Classification: Uncertain significance. Last evaluated: 2016-05-03. Review status: criteria provided, single submitter. Criteria: EGL Classification Definitions 2015. Collection method: clinical testing. Allele origin: germline. Observed: 1 variant allele, 1 heterozygote.

NM_001849.4(COL6A2):c.1071G>A (p.Pro357=)

Gene: COL6A2 (collagen type VI alpha 2 chain; plus strand). Cytogenetic location: 21q22.3.
Variant type: single nucleotide variant.
Coding change: c.1071G>A on transcript NM_001849.4 (MANE Select); coding-DNA position 1071, G replaced by A.
Protein change: p.Pro357=; no amino-acid change (proline 357 retained).
Molecular consequence: synonymous variant.
Genome position (GRCh38, 1-based): chr21:46,117,891, G>A. VCF-style: chr21-46117891-G-A. GRCh37 (hg19) VCF-style: chr21-47537805-G-A.
Other names: c.1071G>A, p.Pro357= (NM_058174.3, NM_058175.3).
Identifiers: ClinVar variation 287788 (VCV000287788.21), dbSNP rs746727003, ClinGen allele CA10071681.
Genomic context (GRCh38, chr21:46,117,891, plus strand): 5'-CCACCCGCCGTGTGCCGAGCTCCACCTCTCACTCCTCTCTCAGGGCCCCGACGGTTACCC[G>A]GGGGAAGCAGGGAGTCCAGGGGAGCGAGGAGACCAAGGCGGCAAGGTAAGTGGCCTTGTC-3'
Protein context (NP_001840.3, residues 347-367): DPGNRGPDGY[Pro357=]GEAGSPGERG